The following is an entry in ClinVar:

NM_000170.3(GLDC):c.2584G>T (p.Glu862Ter)

Gene: GLDC (glycine decarboxylase; minus strand). Cytogenetic location: 9p24.1.
Variant type: single nucleotide variant.
Coding change: c.2584G>T on transcript NM_000170.3 (MANE Select); coding-DNA position 2584, G replaced by T.
Protein change: p.Glu862Ter; replaces glutamic acid 862 with a stop codon.
Molecular consequence: nonsense.
Genome position (GRCh38, 1-based): chr9:6,540,132, C>A on the plus strand (G>T on the coding strand, the complement: GLDC is on the minus strand). VCF-style: chr9-6540132-C-A. GRCh37 (hg19) VCF-style: chr9-6540132-C-A.
Other names: short protein forms E862*.
Identifiers: ClinVar variation 5015425 (VCV005015425.1).

ClinVar aggregate classification (germline): Pathogenic (1 of 4 stars; one submission).

Conditions:
Glycine encephalopathy 1 (GCE1). Identifiers: MedGen CN376801, MONDO:0958179, OMIM 605899.

Submission:

Myriad Genetics, Inc.
Classification: Pathogenic for Glycine encephalopathy 1. Last evaluated: 2026-01-16. Review status: criteria provided, single submitter. Criteria: Myriad Autosomal Dominant, Autosomal Recessive and X-Linked Classification Criteria (2023). Collection method: clinical testing. Allele origin: unknown.
Comment: NM_000170.2(GLDC):c.2584G>T(E862*) is expected to be pathogenic in the context of glycine encephalopathy, GLDC-related. This variant is predicted to lead to an abnormal or absent protein product due to the creation of a premature termination codon in GLDC, a gene where loss-of-function variants are known to be pathogenic. Please note: this variant was assessed in the context of healthy population screening.